The following is an entry in ClinVar:

ClinVar aggregate classification (germline): Conflicting classifications of pathogenicity. Review status: criteria provided, conflicting classifications (1 of 4 stars). 2 submissions from 2 submitters: Likely pathogenic (1); Uncertain significance (1). Last evaluated 2021-06-03.

Conditions:
Neurodegeneration with brain iron accumulation 6 (NBIA6). Also called: COASY protein-associated neurodegeneration. Identifiers: Orphanet 397725, MedGen C4517377, MONDO:0014290, OMIM 615643.

Allele frequency attached by ClinVar (database versions not stated): gnomAD exomes below 0.00001; gnomAD 0.00001; TOPMed 0.00002.
gnomAD v4.1: 3 of 1,597,696 alleles (0.00019%); highest among the groups gnomAD compares: African/African-American, 0.0027%; no homozygotes.

Submissions (2):

Ambry Genetics
Classification: Uncertain significance. Last evaluated: 2021-06-03. Review status: criteria provided, single submitter. Criteria: Ambry Variant Classification Scheme 2023. Collection method: clinical testing. Allele origin: germline.
Comment: The c.788-2A>C intronic variant results from an A to C substitution two nucleotides before coding exon 3 of the COASY gene. Alterations that disrupt the canonical splice site are expected to result in aberrant splicing. The resulting transcript is predicted to be in-frame and is not expected to trigger nonsense-mediated mRNA decay; however, direct evidence is unavailable. The exact functional effect of the altered amino acid sequence is unknown. In silico splice site analysis predicts that this alteration will weaken the native splice acceptor site and will result in the creation or strengthening of a novel splice acceptor site. Based on insufficient or conflicting evidence, the clinical significance of this alteration remains unclear.

HudsonAlpha Institute for Biotechnology
Classification: Likely pathogenic for Neurodegeneration with brain iron accumulation 6. Last evaluated: 2019-03-29. Review status: criteria provided, single submitter. Criteria: ACMG Guidelines, 2015. Collection method: research. Allele origin: paternal. Observed: 1 variant allele. Study: HudsonAlpha-AGHI-WGS.

NM_025233.7(COASY):c.701-2A>C

Gene: COASY (Coenzyme A synthase; plus strand). Cytogenetic location: 17q21.2.
Variant type: single nucleotide variant.
Coding change: c.701-2A>C on transcript NM_025233.7 (MANE Select); the canonical splice acceptor site of the intron before coding-DNA position 701, A replaced by C.
Molecular consequence: splice acceptor variant.
Genome position (GRCh38, 1-based): chr17:42,563,959, A>C. VCF-style: chr17-42563959-A-C. GRCh37 (hg19) VCF-style: chr17-40715977-A-C.
Other names: c.788-2A>C (NM_001042532.4); c.701-2A>C (NM_001042529.3).
Identifiers: ClinVar variation 690396 (VCV000690396.4), dbSNP rs1022433060, ClinGen allele CA290771340.